The following is an entry in ClinVar:

ClinVar aggregate classification (germline): Conflicting classifications of pathogenicity. Review status: criteria provided, conflicting classifications (1 of 4 stars). 2 submissions from 2 submitters: Likely pathogenic (1); Uncertain significance (1). Last evaluated 2024-03-15.

Conditions:
Polycystic kidney disease 4 (PKD4). Also called: POLYCYSTIC KIDNEY DISEASE 4 WITH OR WITHOUT POLYCYSTIC LIVER DISEASE; PKD3; POLYCYSTIC KIDNEY AND HEPATIC DISEASE 1; POLYCYSTIC KIDNEY DISEASE, INFANTILE, TYPE I; Autosomal Recessive Polycystic Kidney Disease – PKHD1. Identifiers: MedGen C4540575, MONDO:0033004, OMIM 263200.

Submissions (2):

Fulgent Genetics
Classification: Likely pathogenic for Polycystic kidney disease 4. Last evaluated: 2024-03-15. Review status: criteria provided, single submitter. Criteria: ACMG Guidelines, 2015. Collection method: clinical testing. Allele origin: germline.

Women's Health and Genetics/Laboratory Corporation of America, LabCorp
Classification: Uncertain significance. Last evaluated: 2024-03-15. Review status: criteria provided, single submitter. Criteria: LabCorp Variant Classification Summary - May 2015. Collection method: clinical testing. Allele origin: germline.
Comment: Variant summary: PKHD1 c.5336A>T (p.Asn1779Ile) results in a non-conservative amino acid change in the encoded protein sequence. Five of five in-silico tools predict a damaging effect of the variant on protein function. The variant was absent in 251246 control chromosomes. The available data on variant occurrences in the general population are insufficient to allow any conclusion about variant significance. c.5336A>T has been reported in the literature in at least one compound heterozygous individual affected with Polycystic Kidney And Hepatic Disease (e.g., Yun_2020). To our knowledge, no experimental evidence demonstrating an impact on protein function has been reported. The following publication has been ascertained in the context of this evaluation (PMID: 32924121). No submitters have cited clinical-significance assessments for this variant to ClinVar. Based on the evidence outlined above, the variant was classified as uncertain significance.

Literature cited by the submitters: PubMed 32924121 (cited by Women's Health and Genetics/Laboratory Corporation of America, LabCorp).

NM_138694.4(PKHD1):c.5336A>T (p.Asn1779Ile)

Gene: PKHD1 (PKHD1 ciliary IPT domain containing fibrocystin/polyductin; minus strand). Cytogenetic location: 6p12.2.
Variant type: single nucleotide variant.
Coding change: c.5336A>T on transcript NM_138694.4 (MANE Select); coding-DNA position 5336, A replaced by T.
Protein change: p.Asn1779Ile; replaces asparagine 1779 with isoleucine.
Molecular consequence: missense variant.
Genome position (GRCh38, 1-based): chr6:52,022,845, T>A on the plus strand (A>T on the coding strand, the complement: PKHD1 is on the minus strand). VCF-style: chr6-52022845-T-A. GRCh37 (hg19) VCF-style: chr6-51887643-T-A.
Other names: c.5336A>T, p.Asn1779Ile (NM_170724.3); short protein forms N1779I.
Identifiers: ClinVar variation 3233923 (VCV003233923.3), dbSNP rs1801599945, ClinGen allele CA364427560.